The following is an entry in ClinVar:

ClinVar aggregate classification (germline): Uncertain significance. Review status: criteria provided, multiple submitters, no conflicts (2 of 4 stars). 3 submissions from 3 submitters: Uncertain significance (3). Last evaluated 2024-10-24.

Conditions:
Inborn genetic diseases. Identifiers: MedGen C0950123, MeSH D030342.

Allele frequency attached by ClinVar (database versions not stated): gnomAD exomes 0.00002; TOPMed 0.00002; ExAC 0.00003; gnomAD 0.00003.
gnomAD v4.1: 18 of 1,613,626 alleles (0.0011%); highest among the groups gnomAD compares: South Asian, 0.0055%; no homozygotes.

Submissions (3):

Labcorp Genetics (formerly Invitae), Labcorp
Classification: Uncertain significance. Last evaluated: 2024-10-24. Review status: criteria provided, single submitter. Criteria: Invitae Variant Classification Sherloc (09022015). Collection method: clinical testing. Allele origin: germline.
Comment: This sequence change replaces arginine, which is basic and polar, with histidine, which is basic and polar, at codon 354 of the DSPP protein (p.Arg354His). This variant is present in population databases (rs773490979, gnomAD 0.007%). This variant has not been reported in the literature in individuals affected with DSPP-related conditions. ClinVar contains an entry for this variant (Variation ID: 1313932). An algorithm developed to predict the effect of missense changes on protein structure and function (PolyPhen-2) suggests that this variant is likely to be tolerated. In summary, the available evidence is currently insufficient to determine the role of this variant in disease. Therefore, it has been classified as a Variant of Uncertain Significance.

Ambry Genetics
Classification: Uncertain significance for Inborn genetic diseases. Last evaluated: 2024-05-15. Review status: criteria provided, single submitter. Criteria: Ambry Variant Classification Scheme 2023. Collection method: clinical testing. Allele origin: germline.

GeneDx
Classification: Uncertain significance. Last evaluated: 2021-01-22. Review status: criteria provided, single submitter. Criteria: GeneDx Variant Classification Process June 2021. Collection method: clinical testing. Allele origin: germline. Affected: yes.
Comment: In silico analysis supports that this missense variant does not alter protein structure/function; Has not been previously published as pathogenic or benign to our knowledge

NM_014208.3(DSPP):c.1061G>A (p.Arg354His)

Genes: DMP1-AS1 (DMP1 and DSPP antisense RNA 1; minus strand), DSPP (dentin sialophosphoprotein; plus strand). Cytogenetic location: 4q22.1.
Variant type: single nucleotide variant.
Coding change: c.1061G>A on transcript NM_014208.3 (MANE Select); coding-DNA position 1061, G replaced by A.
Protein change: p.Arg354His; replaces arginine 354 with histidine.
Molecular consequence: missense variant.
Genome position (GRCh38, 1-based): chr4:87,613,247, G>A. VCF-style: chr4-87613247-G-A. GRCh37 (hg19) VCF-style: chr4-88534399-G-A.
Other names: short protein forms R354H.
Identifiers: ClinVar variation 1313932 (VCV001313932.7), dbSNP rs773490979, ClinGen allele CA3001008.